The following is an entry in ClinVar:

NM_001142864.4(PIEZO1):c.7365G>A (p.Val2455=)

Gene: PIEZO1 (piezo type mechanosensitive ion channel component 1 (Er blood group); minus strand). Cytogenetic location: 16q24.3.
Variant type: single nucleotide variant.
Coding change: c.7365G>A on transcript NM_001142864.4 (MANE Select); coding-DNA position 7365, G replaced by A.
Protein change: p.Val2455=; no amino-acid change (valine 2455 retained).
Molecular consequence: synonymous variant.
Genome position (GRCh38, 1-based): chr16:88,715,806, C>T on the plus strand (G>A on the coding strand, the complement: PIEZO1 is on the minus strand). VCF-style: chr16-88715806-C-T. GRCh37 (hg19) VCF-style: chr16-88782214-C-T.
Other names: c.5907G>A, p.Val1969= (NM_014745.1); c.7365G>A (NM_001142864.3).
Identifiers: ClinVar variation 2160112 (VCV002160112.6), dbSNP rs201019404, ClinGen allele CA8231334.

ClinVar aggregate classification (germline): Benign. Review status: criteria provided, single submitter (1 of 4 stars). 2 submissions from 2 submitters: Benign (1). 1 of the submissions does not count toward it. Last evaluated 2024-05-13.

Conditions:
PIEZO1-related disorder. Also called: PIEZO1-Related Disorders; PIEZO1-related condition.

Allele frequency attached by ClinVar (database versions not stated): TOPMed 0.00012; gnomAD 0.00013; ExAC 0.00064.
gnomAD v4.1: 163 of 1,550,344 alleles (0.011%); highest among the groups gnomAD compares: South Asian, 0.0059%; 1 homozygote.

Submissions (2):

Labcorp Genetics (formerly Invitae), Labcorp
Classification: Benign. Last evaluated: 2024-05-13. Review status: criteria provided, single submitter. Criteria: Invitae Variant Classification Sherloc (09022015). Collection method: clinical testing. Allele origin: germline.

PreventionGenetics, part of Exact Sciences
Classification: Likely benign for PIEZO1-related condition. Last evaluated: 2021-05-12. Review status: no assertion criteria provided. Collection method: clinical testing. Allele origin: germline. Not counted in ClinVar's aggregate classification.
Comment: This variant is classified as likely benign based on ACMG/AMP sequence variant interpretation guidelines (Richards et al. 2015 PMID: 25741868, with internal and published modifications).